The following is an entry in ClinVar:

NM_001267727.2(ARSG):c.1052G>A (p.Gly351Asp)

Gene: ARSG (arylsulfatase G; plus strand). Cytogenetic location: 17q24.2.
Variant type: single nucleotide variant.
Coding change: c.1052G>A on transcript NM_001267727.2 (MANE Select); coding-DNA position 1052, G replaced by A.
Protein change: p.Gly351Asp; replaces glycine 351 with aspartic acid.
Molecular consequence: missense variant.
Genome position (GRCh38, 1-based): chr17:68,385,133, G>A. VCF-style: chr17-68385133-G-A. GRCh37 (hg19) VCF-style: chr17-66381274-G-A.
Other names: c.1052G>A, p.Gly351Asp (NM_001352899.2, NM_001352900.2, NM_001352901.2 and 3 more transcripts); c.1049G>A, p.Gly350Asp (NM_001352903.2, NM_001352904.2, NM_001352905.2 and 2 more transcripts); c.1004G>A, p.Gly335Asp (NM_001352909.2); short protein forms G350D, G335D, G351D.
Identifiers: ClinVar variation 933287 (VCV000933287.8), dbSNP rs759582671, ClinGen allele CA8728454.

ClinVar aggregate classification (germline): Uncertain significance (1 of 4 stars; one submission).

Allele frequency attached by ClinVar (database versions not stated): gnomAD 0.00001; gnomAD exomes 0.00001 and 0.00004; TOPMed 0.00002; ExAC 0.00007.
gnomAD v4.1: 5 of 1,613,922 alleles (0.00031%); highest among the groups gnomAD compares: East Asian, 0.011%; no homozygotes.

Submission:

Labcorp Genetics (formerly Invitae), Labcorp
Classification: Uncertain significance. Last evaluated: 2024-10-21. Review status: criteria provided, single submitter. Criteria: Invitae Variant Classification Sherloc (09022015). Collection method: clinical testing. Allele origin: germline.
Comment: This sequence change replaces glycine, which is neutral and non-polar, with aspartic acid, which is acidic and polar, at codon 351 of the ARSG protein (p.Gly351Asp). This variant is present in population databases (rs759582671, gnomAD 0.05%). This variant has not been reported in the literature in individuals affected with ARSG-related conditions. ClinVar contains an entry for this variant (Variation ID: 933287). Invitae Evidence Modeling of protein sequence and biophysical properties (such as structural, functional, and spatial information, amino acid conservation, physicochemical variation, residue mobility, and thermodynamic stability) indicates that this missense variant is not expected to disrupt ARSG protein function with a negative predictive value of 80%. In summary, the available evidence is currently insufficient to determine the role of this variant in disease. Therefore, it has been classified as a Variant of Uncertain Significance.